The following is an entry in ClinVar:

NM_003049.4(SLC10A1):c.587T>C (p.Leu196Pro)

Gene: SLC10A1 (solute carrier family 10 member 1; minus strand). Cytogenetic location: 14q24.1.
Variant type: single nucleotide variant.
Coding change: c.587T>C on transcript NM_003049.4 (MANE Select); coding-DNA position 587, T replaced by C.
Protein change: p.Leu196Pro; replaces leucine 196 with proline.
Molecular consequence: missense variant.
Genome position (GRCh38, 1-based): chr14:69,779,341, A>G on the plus strand (T>C on the coding strand, the complement: SLC10A1 is on the minus strand). VCF-style: chr14-69779341-A-G. GRCh37 (hg19) VCF-style: chr14-70246058-A-G.
Other names: c.587T>C (NM_003049.3); short protein forms L196P.
Identifiers: ClinVar variation 596344 (VCV000596344.6), dbSNP rs1020894026, ClinGen allele CA262951810.
Genomic context (GRCh38, chr14:69,779,341, plus strand): 5'-AACATGATGCTCTTCCCCACATTGATGGCAGAGAGAACTGTGACGGCCACACTGCACAAG[A>G]GAATGATGATCATCCCTCCCTGGGAATGAAGACAAGAAAAGGCAATTAGAAGAGTTGGGG-3'
Protein context (NP_003040.1, residues 186-206): YVIKGGMIII[Leu196Pro]LCSVAVTVLS

ClinVar aggregate classification (germline): Uncertain significance. Review status: criteria provided, multiple submitters, no conflicts (2 of 4 stars). 2 submissions from 2 submitters: Uncertain significance (2). Last evaluated 2026-07-25.

Conditions:
SLC10A1-related disorder. Also called: SLC10A1-related condition.

Allele frequency attached by ClinVar (database versions not stated): TOPMed 0.00002; gnomAD 0.00003 and 0.00004; gnomAD exomes 0.00001.
gnomAD v4.1: 13 of 1,611,828 alleles (0.00081%); highest among the groups gnomAD compares: African/African-American, 0.017%; no homozygotes.

Submissions (2):

PreventionGenetics, part of Exact Sciences
Classification: Uncertain significance for SLC10A1-related condition. Last evaluated: 2026-07-25. Review status: criteria provided, single submitter. Criteria: ACMG Guidelines, 2015. Collection method: clinical testing. Allele origin: germline.
Comment: The SLC10A1 c.587T>C variant is predicted to result in the amino acid substitution p.Leu196Pro. To our knowledge, this variant has not been reported in the literature. This variant is reported in 0.023% of alleles in individuals of African descent in gnomAD. At this time, the clinical significance of this variant is uncertain due to the absence of conclusive functional and genetic evidence.

Eurofins Ntd Llc (ga)
Classification: Uncertain significance. Last evaluated: 2018-03-02. Review status: criteria provided, single submitter. Criteria: EGL ClinVar v180209 classification definitions. Collection method: clinical testing. Allele origin: germline. Observed: 1 variant allele, 1 heterozygote.